The following is an entry in ClinVar:

ClinVar aggregate classification (germline): Uncertain significance. Review status: criteria provided, multiple submitters, no conflicts (2 of 4 stars). 2 submissions from 2 submitters: Uncertain significance (2). Last evaluated 2025-05-13.

Conditions:
Cutis laxa, autosomal dominant 3 (ADCL3). Identifiers: Orphanet 90348, MedGen C4225268, MONDO:0014706, OMIM 616603.
Autosomal dominant spastic paraplegia type 9. Identifiers: MedGen C1832669, MONDO:0015091.
de Barsy syndrome. Also called: Cutis laxa-corneal clouding-oligophrenia syndrome. Identifiers: Orphanet 2962, MedGen C0268354, MONDO:0017569.
Inborn genetic diseases. Identifiers: MedGen C0950123, MeSH D030342.

Submissions (2):

Labcorp Genetics (formerly Invitae), Labcorp
Classification: Uncertain significance for Autosomal dominant spastic paraplegia type 9; de Barsy syndrome; Cutis laxa, autosomal dominant 3. Last evaluated: 2025-05-13. Review status: criteria provided, single submitter. Criteria: Invitae Variant Classification Sherloc (09022015). Collection method: clinical testing. Allele origin: germline.
Comment: This sequence change replaces histidine, which is basic and polar, with arginine, which is basic and polar, at codon 195 of the ALDH18A1 protein (p.His195Arg). This variant is not present in population databases (gnomAD no frequency). This variant has not been reported in the literature in individuals affected with ALDH18A1-related conditions. ClinVar contains an entry for this variant (Variation ID: 3519695). Invitae Evidence Modeling of protein sequence and biophysical properties (such as structural, functional, and spatial information, amino acid conservation, physicochemical variation, residue mobility, and thermodynamic stability) indicates that this missense variant is not expected to disrupt ALDH18A1 protein function with a negative predictive value of 95%. In summary, the available evidence is currently insufficient to determine the role of this variant in disease. Therefore, it has been classified as a Variant of Uncertain Significance.

Ambry Genetics
Classification: Uncertain significance for Inborn genetic diseases. Last evaluated: 2024-11-25. Review status: criteria provided, single submitter. Criteria: Ambry Variant Classification Scheme 2023. Collection method: clinical testing. Allele origin: germline.

NM_002860.4(ALDH18A1):c.584A>G (p.His195Arg)

Gene: ALDH18A1 (aldehyde dehydrogenase 18 family member A1; minus strand). Cytogenetic location: 10q24.1.
Variant type: single nucleotide variant.
Coding change: c.584A>G on transcript NM_002860.4 (MANE Select); coding-DNA position 584, A replaced by G.
Protein change: p.His195Arg; replaces histidine 195 with arginine.
Molecular consequence: missense variant. On other transcripts: 5 prime UTR variant (1).
Genome position (GRCh38, 1-based): chr10:95,633,624, T>C on the plus strand (A>G on the coding strand, the complement: ALDH18A1 is on the minus strand). VCF-style: chr10-95633624-T-C. GRCh37 (hg19) VCF-style: chr10-97393381-T-C.
Other names: c.584A>G, p.His195Arg (NM_001017423.2, NM_001323413.2, NM_001323414.2 and 1 more transcripts); c.251A>G, p.His84Arg (NM_001323412.2, NM_001323416.2, NM_001323418.2); c.479A>G, p.His160Arg (NM_001323417.2); c.-53A>G (NM_001323419.2); short protein forms H195R, H84R, H160R.
Identifiers: ClinVar variation 3519695 (VCV003519695.2).